The following is an entry in ClinVar:

ClinVar aggregate classification (germline): Pathogenic (1 of 4 stars; one submission).

Conditions:
Primary ciliary dyskinesia 30. Also called: CILIARY DYSKINESIA, PRIMARY, 30, WITH OR WITHOUT SITUS INVERSUS. Identifiers: Orphanet 244, MedGen C4015016, MONDO:0014465, OMIM 616037.

Submission:

Labcorp Genetics (formerly Invitae), Labcorp
Classification: Pathogenic for Primary ciliary dyskinesia 30. Last evaluated: 2023-08-25. Review status: criteria provided, single submitter. Criteria: Invitae Variant Classification Sherloc (09022015). Collection method: clinical testing. Allele origin: germline.
Comment: This variant is not present in population databases (gnomAD no frequency). For these reasons, this variant has been classified as Pathogenic. This variant has not been reported in the literature in individuals affected with CCDC151-related conditions. This sequence change creates a premature translational stop signal (p.Gln17*) in the CCDC151 gene. It is expected to result in an absent or disrupted protein product. Loss-of-function variants in CCDC151 are known to be pathogenic (PMID: 25192045).

Literature cited by the submitters: PubMed 25192045.

NM_145045.5(ODAD3):c.49C>T (p.Gln17Ter)

Gene: ODAD3 (outer dynein arm docking complex subunit 3; minus strand). Cytogenetic location: 19p13.2.
Variant type: single nucleotide variant.
Coding change: c.49C>T on transcript NM_145045.5 (MANE Select); coding-DNA position 49, C replaced by T.
Protein change: p.Gln17Ter; replaces glutamine 17 with a stop codon.
Molecular consequence: nonsense. On other transcripts: intron variant (1).
Genome position (GRCh38, 1-based): chr19:11,434,968, G>A on the plus strand (C>T on the coding strand, the complement: ODAD3 is on the minus strand). VCF-style: chr19-11434968-G-A. GRCh37 (hg19) VCF-style: chr19-11545789-G-A.
Other names: c.49C>T, p.Gln17Ter (NM_001302454.2); c.82+722C>T (NM_001302453.1); short protein forms Q17*.
Identifiers: ClinVar variation 2755194 (VCV002755194.3), dbSNP rs2512494505, ClinGen allele CA404128716.